The following is an entry in ClinVar:

NM_152564.5(VPS13B):c.1222G>A (p.Val408Ile)

Gene: VPS13B (vacuolar protein sorting 13 homolog B; plus strand). Cytogenetic location: 8q22.2.
Variant type: single nucleotide variant.
Coding change: c.1222G>A on transcript NM_152564.5 (MANE Select); coding-DNA position 1222, G replaced by A.
Protein change: p.Val408Ile; replaces valine 408 with isoleucine.
Molecular consequence: missense variant.
Genome position (GRCh38, 1-based): chr8:99,134,647, G>A. VCF-style: chr8-99134647-G-A. GRCh37 (hg19) VCF-style: chr8-100146875-G-A.
Other names: c.1222G>A, p.Val408Ile (NM_015243.3, NM_017890.5); short protein forms V408I.
Identifiers: ClinVar variation 4998439 (VCV004998439.1).

ClinVar aggregate classification (germline): Uncertain significance (1 of 4 stars; one submission).

Conditions:
VPS13B-related disorder. Also called: VPS13B-related condition.

Submission:

PreventionGenetics, part of Exact Sciences
Classification: Uncertain significance for VPS13B-related condition. Last evaluated: 2026-03-27. Review status: criteria provided, single submitter. Criteria: ACMG Guidelines, 2015. Collection method: clinical testing. Allele origin: germline.
Comment: The VPS13B c.1222G>A variant is predicted to result in the amino acid substitution p.Val408Ile. To our knowledge, this variant has not been reported in the literature or in a large population database (gnomAD), indicating this variant is rare. At this time, the clinical significance of this variant is uncertain due to the absence of conclusive functional and genetic evidence.